The following is an entry in ClinVar:

ClinVar aggregate classification (germline): Benign. Review status: criteria provided, multiple submitters, no conflicts (2 of 4 stars). 3 submissions from 3 submitters: Benign (3). Last evaluated 2026-02-04.

Submissions (3):

Labcorp Genetics (formerly Invitae), Labcorp
Classification: Benign. Last evaluated: 2026-02-04. Review status: criteria provided, single submitter. Criteria: Invitae Variant Classification Sherloc (09022015). Collection method: clinical testing. Allele origin: germline.

Unidad de Genómica Garrahan, Hospital de Pediatría Garrahan
Classification: Benign. Last evaluated: 2024-07-15. Review status: criteria provided, single submitter. Criteria: ACMG Guidelines, 2015. Collection method: clinical testing. Allele origin: germline. Affected: no. Observed: 67 variant alleles.
Comment: This variant is classified as Benign based on local population frequency. This variant was detected in 72% of patients studied in a panel designed for Epileptic and Developmental Encephalopathy and Progressive Myoclonus Epilepsy. Number of patients: 67. Only high quality variants are reported.

GeneDx
Classification: Benign. Last evaluated: 2018-06-15. Review status: criteria provided, single submitter. Criteria: GeneDx Variant Classification (06012015). Collection method: clinical testing. Allele origin: germline. Affected: yes.
Comment: This variant is considered likely benign or benign based on one or more of the following criteria: it is a conservative change, it occurs at a poorly conserved position in the protein, it is predicted to be benign by multiple in silico algorithms, and/or has population frequency not consistent with disease.

NM_001673.5(ASNS):c.775+13dup

Genes: ASNS (asparagine synthetase (glutamine-hydrolyzing); minus strand), CZ1P-ASNS (CZ1P-ASNS readthrough; minus strand). Cytogenetic location: 7q21.3.
Variant type: Duplication.
Coding change: c.775+13dup on transcript NM_001673.5 (MANE Select); 13 bases into the intron after coding-DNA position 775, one base duplicated (A; older notation c.775+13dupA).
Molecular consequence: intron variant.
Genome position (GRCh38, 1-based): chr7:97,858,835, T duplicated on the plus strand (A on the coding strand, the reverse complement: ASNS is on the minus strand); the first of 7 consecutive T bases (chr7:97,858,835-97,858,841); duplicating any one gives the same sequence. VCF-style (leftmost placement, unchanged base first): chr7-97858834-G-GT. GRCh37 (hg19) VCF-style: chr7-97488146-G-GT.
Other names: c.775+19dupA (NM_133436.3); c.775+13dup (NM_001352496.2, NM_183356.4, NM_133436.3); c.526+13dup (NM_001178076.2, NM_001178077.1); c.712+13dup (NM_001178075.2).
Identifiers: ClinVar variation 680024 (VCV000680024.11), dbSNP rs36021744, ClinGen allele CA4354695.